The following is an entry in ClinVar:

ClinVar aggregate classification (germline): Uncertain significance. Review status: criteria provided, multiple submitters, no conflicts (2 of 4 stars). 2 submissions from 2 submitters: Uncertain significance (2). Last evaluated 2025-08-04.

Allele frequency attached by ClinVar (database versions not stated): gnomAD 0.00001; ExAC 0.00004.
gnomAD v4.1: 28 of 1,611,480 alleles (0.0017%); highest among the groups gnomAD compares: Middle Eastern, 0.017%; no homozygotes.

Submissions (2):

Labcorp Genetics (formerly Invitae), Labcorp
Classification: Uncertain significance. Last evaluated: 2025-08-04. Review status: criteria provided, single submitter. Criteria: Invitae Variant Classification Sherloc (09022015). Collection method: clinical testing. Allele origin: germline.
Comment: This sequence change replaces aspartic acid, which is acidic and polar, with asparagine, which is neutral and polar, at codon 905 of the MICAL1 protein (p.Asp905Asn). This variant is present in population databases (rs770881129, gnomAD 0.006%). This variant has not been reported in the literature in individuals affected with MICAL1-related conditions. ClinVar contains an entry for this variant (Variation ID: 2420516). An algorithm developed to predict the effect of missense changes on protein structure and function (PolyPhen-2) suggests that this variant is likely to be tolerated. In summary, the available evidence is currently insufficient to determine the role of this variant in disease. Therefore, it has been classified as a Variant of Uncertain Significance.

Ambry Genetics
Classification: Uncertain significance. Last evaluated: 2025-04-15. Review status: criteria provided, single submitter. Criteria: Ambry Variant Classification Scheme 2023. Collection method: clinical testing. Allele origin: germline.

NM_022765.4(MICAL1):c.2656G>A (p.Asp886Asn)

Gene: MICAL1 (microtubule associated monooxygenase, calponin and LIM domain containing 1; minus strand). Cytogenetic location: 6q21.
Variant type: single nucleotide variant.
Coding change: c.2656G>A on transcript NM_022765.4 (MANE Select); coding-DNA position 2656, G replaced by A.
Protein change: p.Asp886Asn; replaces aspartic acid 886 with asparagine.
Molecular consequence: missense variant.
Genome position (GRCh38, 1-based): chr6:109,445,788, C>T on the plus strand (G>A on the coding strand, the complement: MICAL1 is on the minus strand). VCF-style: chr6-109445788-C-T. GRCh37 (hg19) VCF-style: chr6-109766991-C-T.
Other names: c.2398G>A, p.Asp800Asn (NM_001159291.2); c.2713G>A, p.Asp905Asn (NM_001286613.2); c.2656G>A (NM_022765.3); short protein forms D800N, D886N, D905N.
Identifiers: ClinVar variation 2420516 (VCV002420516.7), dbSNP rs770881129, ClinGen allele CA3952823.